The following is an entry in ClinVar:

NM_004629.2(FANCG):c.713dup (p.Leu239fs)

Gene: FANCG (FA complementation group G; minus strand). Cytogenetic location: 9p13.3.
Variant type: Duplication.
Coding change: c.713dup on transcript NM_004629.2 (MANE Select); coding-DNA position 713, one base duplicated (G; older notation c.713dupG).
Protein change: p.Leu239fs; shifts the reading frame from leucine 239.
Molecular consequence: frameshift variant.
Genome position (GRCh38, 1-based): chr9:35,077,035, C duplicated on the plus strand (G on the coding strand, the reverse complement: FANCG is on the minus strand); the first of 2 consecutive C bases (chr9:35,077,035-35,077,036); duplicating either gives the same sequence. VCF-style (leftmost placement, unchanged base first): chr9-35077034-G-GC. GRCh37 (hg19) VCF-style: chr9-35077031-G-GC.
Other names: short protein forms L239fs.
Identifiers: ClinVar variation 1458594 (VCV001458594.7), dbSNP rs2131056549, ClinGen allele CA2573144517.

ClinVar aggregate classification (germline): Pathogenic/Likely pathogenic. Review status: criteria provided, multiple submitters, no conflicts (2 of 4 stars). 2 submissions from 2 submitters: Pathogenic (1); Likely pathogenic (1). Last evaluated 2023-08-02.

Conditions:
Fanconi anemia complementation group G. Also called: FANCG-Related Fanconi Anemia; Fanconi anemia group G. Identifiers: Orphanet 84, MedGen C3469527, MONDO:0013565, OMIM 614082.
Fanconi anemia (FA). Also called: Fanconi's anemia. Identifiers: Orphanet 84, MedGen C0015625, MeSH D005199, MONDO:0019391.

Submissions (2):

Labcorp Genetics (formerly Invitae), Labcorp
Classification: Pathogenic for Fanconi anemia. Last evaluated: 2023-08-02. Review status: criteria provided, single submitter. Criteria: Invitae Variant Classification Sherloc (09022015). Collection method: clinical testing. Allele origin: germline.
Comment: For these reasons, this variant has been classified as Pathogenic. ClinVar contains an entry for this variant (Variation ID: 1458594). This variant has not been reported in the literature in individuals affected with FANCG-related conditions. This variant is not present in population databases (gnomAD no frequency). This sequence change creates a premature translational stop signal (p.Leu239Profs*20) in the FANCG gene. It is expected to result in an absent or disrupted protein product. Loss-of-function variants in FANCG are known to be pathogenic (PMID: 12552564).

Baylor Genetics
Classification: Likely pathogenic for Fanconi anemia complementation group G. Last evaluated: 2023-02-01. Review status: criteria provided, single submitter. Criteria: ACMG Guidelines, 2015. Collection method: clinical testing. Allele origin: unknown.

Literature cited by the submitters: PubMed 12552564 (cited by Labcorp Genetics (formerly Invitae), Labcorp).